The following is an entry in ClinVar:

NM_001360.3(DHCR7):c.739G>A (p.Ala247Thr)

Gene: DHCR7 (7-dehydrocholesterol reductase; minus strand). Cytogenetic location: 11q13.4.
Variant type: single nucleotide variant.
Coding change: c.739G>A on transcript NM_001360.3 (MANE Select); coding-DNA position 739, G replaced by A.
Protein change: p.Ala247Thr; replaces alanine 247 with threonine.
Molecular consequence: missense variant.
Genome position (GRCh38, 1-based): chr11:71,438,971, C>T on the plus strand (G>A on the coding strand, the complement: DHCR7 is on the minus strand). VCF-style: chr11-71438971-C-T. GRCh37 (hg19) VCF-style: chr11-71150017-C-T.
Other names: c.739G>A (NM_001360.2); c.739G>A, p.Ala247Thr (NM_001163817.2); short protein forms A247T.
Identifiers: ClinVar variation 1074014 (VCV001074014.11), dbSNP rs767031102, ClinGen allele CA6162474.

ClinVar aggregate classification (germline): Conflicting classifications of pathogenicity. Review status: criteria provided, conflicting classifications (1 of 4 stars). 3 submissions from 3 submitters: Pathogenic (1); Likely pathogenic (1); Uncertain significance (1). Last evaluated 2025-03-01.

Conditions:
Smith-Lemli-Opitz syndrome (SLOS). Also called: LETHAL ACRODYSGENITAL SYNDROME; POLYDACTYLY, SEX REVERSAL, RENAL HYPOPLASIA, AND UNILOBAR LUNG; RSH SYNDROME; RUTLEDGE LETHAL MULTIPLE CONGENITAL ANOMALY SYNDROME; 7-Dehydrocholesterol reductase deficiency. Identifiers: Orphanet 818, MedGen C0175694, MONDO:0010035, OMIM 270400.

Allele frequency attached by ClinVar (database versions not stated): gnomAD exomes below 0.00001; TOPMed below 0.00001; ExAC 0.00001.
gnomAD v4.1: 6 of 1,614,074 alleles (0.00037%); highest among the groups gnomAD compares: East Asian, 0.0022%; no homozygotes.

Submissions (3):

Labcorp Genetics (formerly Invitae), Labcorp
Classification: Pathogenic for Smith-Lemli-Opitz syndrome. Last evaluated: 2025-03-01. Review status: criteria provided, single submitter. Criteria: Invitae Variant Classification Sherloc (09022015). Collection method: clinical testing. Allele origin: germline.
Comment: This sequence change replaces alanine, which is neutral and non-polar, with threonine, which is neutral and polar, at codon 247 of the DHCR7 protein (p.Ala247Thr). This variant is present in population databases (rs767031102, gnomAD 0.0009%). This missense change has been observed in individual(s) with Smith-Lemli-Opitz syndrome (internal data). In at least one individual the data is consistent with being in trans (on the opposite chromosome) from a pathogenic variant. It has also been observed to segregate with disease in related individuals. ClinVar contains an entry for this variant (Variation ID: 1074014). Invitae Evidence Modeling of protein sequence and biophysical properties (such as structural, functional, and spatial information, amino acid conservation, physicochemical variation, residue mobility, and thermodynamic stability) indicates that this missense variant is expected to disrupt DHCR7 protein function with a positive predictive value of 95%. This variant disrupts the p.Ala247 amino acid residue in DHCR7. Other variant(s) that disrupt this residue have been determined to be pathogenic (PMID: 9653161, 10995508). This suggests that this residue is clinically significant, and that variants that disrupt this residue are likely to be disease-causing. For these reasons, this variant has been classified as Pathogenic.

Institute of Medical Genetics and Applied Genomics, University Hospital Tübingen
Classification: Likely pathogenic for Smith-Lemli-Opitz syndrome. Last evaluated: 2024-10-24. Review status: criteria provided, single submitter. Criteria: ACMG Guidelines, 2015. Collection method: clinical testing. Allele origin: germline. Inheritance: Autosomal recessive inheritance. Affected: yes.

Women's Health and Genetics/Laboratory Corporation of America, LabCorp
Classification: Uncertain significance. Last evaluated: 2023-08-01. Review status: criteria provided, single submitter. Criteria: LabCorp Variant Classification Summary - May 2015. Collection method: clinical testing. Allele origin: germline.
Comment: Variant summary: DHCR7 c.739G>A (p.Ala247Thr) results in a non-conservative amino acid change in the encoded protein sequence. Four of five in-silico tools predict a damaging effect of the variant on protein function. The variant allele was found at a frequency of 4e-06 in 251312 control chromosomes (gnomAD). The available data on variant occurrences in the general population are insufficient to allow any conclusion about variant significance. To our knowledge, no occurrence of c.739G>A in individuals affected with Smith-Lemli-Opitz Syndrome and no experimental evidence demonstrating its impact on protein function have been reported. However, a different substitution affecting this codon has been reported (c.740C>T [p.Ala247Val]; HGMD: CM980549, ClinVar: 280065), suggesting this residue may of clinical significance. One ClinVar submitter has assessed the variant since 2014, and classified the variant as pathogenic. Based on the evidence outlined above, the variant was classified as VUS-possibly pathogenic.

Literature cited by the submitters: PubMed 9653161 (cited by Labcorp Genetics (formerly Invitae), Labcorp); PubMed 10995508 (cited by Labcorp Genetics (formerly Invitae), Labcorp).